The following is an entry in ClinVar:

ClinVar aggregate classification (germline): Pathogenic (1 of 4 stars; one submission).

Submission:

Labcorp Genetics (formerly Invitae), Labcorp
Classification: Pathogenic. Last evaluated: 2020-09-13. Review status: criteria provided, single submitter. Criteria: Invitae Variant Classification Sherloc (09022015). Collection method: clinical testing. Allele origin: germline.
Comment: For these reasons, this variant has been classified as Pathogenic. This variant disrupts the C-terminus of the EYS protein. Other variant(s) that disrupt this region (p.Tyr3135*) have been determined to be pathogenic (PMID: 18976725, 31074760, 29159838, 30337596). This suggests that variants that disrupt this region of the protein are likely to be causative of disease. This variant has not been reported in the literature in individuals with EYS-related conditions. This variant is not present in population databases (ExAC no frequency). This sequence change results in a premature translational stop signal in the EYS gene (p.Asp2730Glufs*17). While this is not anticipated to result in nonsense mediated decay, it is expected to disrupt the last 415 amino acids of the EYS protein.

Literature cited by the submitters: PubMed 18976725; PubMed 31074760; PubMed 29159838; PubMed 30337596.

NM_001142800.2(EYS):c.8189dup (p.Asp2730fs)

Gene: EYS (EGF-like photoreceptor maintenance factor; minus strand). Cytogenetic location: 6q12.
Variant type: Duplication.
Coding change: c.8189dup on transcript NM_001142800.2 (MANE Select); coding-DNA position 8189, one base duplicated (A; older notation c.8189dupA).
Protein change: p.Asp2730fs; shifts the reading frame from aspartic acid 2730.
Molecular consequence: frameshift variant.
Genome position (GRCh38, 1-based): chr6:63,726,563, T duplicated on the plus strand (A on the coding strand, the reverse complement: EYS is on the minus strand). VCF-style (leftmost placement, unchanged base first): chr6-63726562-A-AT. GRCh37 (hg19) VCF-style: chr6-64436455-A-AT.
Other names: c.8252dup, p.Asp2751fs (NM_001292009.2); short protein forms D2730fs, D2751fs.
Identifiers: ClinVar variation 1068977 (VCV001068977.9), dbSNP rs2149631777, ClinGen allele CA2499218463.